The following is an entry in ClinVar:

NM_000441.2(SLC26A4):c.1244_1245del (p.Ser415fs)

Gene: SLC26A4 (solute carrier family 26 member 4; plus strand). Cytogenetic location: 7q22.3.
Variant type: Deletion.
Coding change: c.1244_1245del on transcript NM_000441.2 (MANE Select); coding-DNA positions 1244 to 1245, 2 bases deleted (GC; older notation c.1244_1245delGC).
Protein change: p.Ser415fs; shifts the reading frame from serine 415.
Molecular consequence: frameshift variant.
Genome position (GRCh38, 1-based): chr7:107,690,218-107,690,219, GC deleted. VCF-style (leftmost placement, unchanged base first): chr7-107690217-AGC-A. GRCh37 (hg19) VCF-style: chr7-107330662-AGC-A.
Other names: short protein forms S415fs.
Identifiers: ClinVar variation 3601718 (VCV003601718.1).

ClinVar aggregate classification (germline): Likely pathogenic (1 of 4 stars; one submission).

Conditions:
Autosomal recessive nonsyndromic hearing loss 4 (DFNB4). Also called: Deafness, autosomal recessive 4; FOXI1-Related Pendred Syndrome; KCNJ10-Related Pendred Syndrome; DEAFNESS, AUTOSOMAL RECESSIVE 4, WITH ENLARGED VESTIBULAR AQUEDUCT, DIGENIC; NEUROSENSORY NONSYNDROMIC RECESSIVE DEAFNESS 4; Nonsyndromic enlarged vestibular aqueduct (NSEVA). Identifiers: Orphanet 90636, MedGen C3538946, MONDO:0010933, OMIM 600791.

Submission:

Institute of Rare Diseases, West China Hospital, Sichuan University
Classification: Likely pathogenic for Autosomal recessive nonsyndromic hearing loss 4. Last evaluated: 2025-01-09. Review status: criteria provided, single submitter. Criteria: ClinGen HL ACMG Specifications v1. Collection method: research. Allele origin: germline. Affected: yes.
Comment: PVS1;PM2_Supporting